The following is an entry in ClinVar:

NM_000361.3(THBD):c.127G>A (p.Ala43Thr)

Gene: THBD (thrombomodulin; minus strand). Cytogenetic location: 20p11.21.
Variant type: single nucleotide variant.
Coding change: c.127G>A on transcript NM_000361.3 (MANE Select); coding-DNA position 127, G replaced by A.
Protein change: p.Ala43Thr; replaces alanine 43 with threonine.
Molecular consequence: missense variant.
Genome position (GRCh38, 1-based): chr20:23,049,378, C>T on the plus strand (G>A on the coding strand, the complement: THBD is on the minus strand). VCF-style: chr20-23049378-C-T. GRCh37 (hg19) VCF-style: chr20-23030015-C-T.
Other names: short protein forms A43T.
Identifiers: ClinVar variation 12718 (VCV000012718.62), dbSNP rs1800576, ClinGen allele CA256539.
Genomic context (GRCh38, chr20:23,049,378, plus strand): 5'-GCACTGTCATTAGGTGGCCCCGCAGTCCGTCGCAGATCTGACTGGCATTGAGGAAGGTCG[C>T]GGGGCCCGGGTAGAGCGCGAAGCAGTCGTGCTCGACGCACTGGCTGCCACCCGGCTGCGG-3'
Protein context (NP_000352.1, residues 33-53): HDCFALYPGP[Ala43Thr]TFLNASQICD

ClinVar aggregate classification (germline): Conflicting classifications of pathogenicity. Review status: criteria provided, conflicting classifications (1 of 4 stars). 14 submissions from 14 submitters: Uncertain significance (1); Benign (4); Likely benign (6). 3 of the submissions do not count toward it. Last evaluated 2026-09-01.

Conditions:
THBD-related disorder. Also called: THBD-related condition.
Atypical hemolytic-uremic syndrome. Identifiers: Orphanet 2134, MedGen C2931788, MONDO:0016244.
Thrombomodulin-related bleeding disorder (THPH12). Also called: Thrombophilia due to thrombomodulin defect. Identifiers: Orphanet 436169, MedGen C3280976, MONDO:0013775, OMIM 614486.
Atypical hemolytic-uremic syndrome with thrombomodulin anomaly. Also called: HEMOLYTIC UREMIC SYNDROME, ATYPICAL, SUSCEPTIBILITY TO, 6; AHUS, SUSCEPTIBILITY TO, 6. Identifiers: MedGen C2752036, MONDO:0013044, OMIM 612926. Disease mechanism: gain of function.

Allele frequency attached by ClinVar (database versions not stated): gnomAD 0.00253 and 0.00255; 1000 Genomes Project 0.00280; gnomAD exomes 0.00200 and 0.00382; TOPMed 0.00278; 1000 Genomes Project 30x 0.00297; ExAC 0.00343.

Submissions (14):

CeGaT Center for Human Genetics Tuebingen
Classification: Likely benign. Last evaluated: 2026-09-01. Review status: criteria provided, single submitter. Criteria: CeGaT Center For Human Genetics Tuebingen Variant Classification Criteria Version 2. Collection method: clinical testing. Allele origin: germline. Affected: yes. Observed: 4 variant alleles.
Comment: THBD: BS2

Labcorp Genetics (formerly Invitae), Labcorp
Classification: Benign. Last evaluated: 2026-02-01. Review status: criteria provided, single submitter. Criteria: Invitae Variant Classification Sherloc (09022015). Collection method: clinical testing. Allele origin: germline.

Women's Health and Genetics/Laboratory Corporation of America, LabCorp
Classification: Likely benign. Last evaluated: 2026-01-23. Review status: criteria provided, single submitter. Criteria: LabCorp Variant Classification Summary - May 2015. Collection method: clinical testing. Allele origin: germline.

Genomenon, Inc
Classification: Likely benign for Thrombomodulin-related bleeding disorder. Last evaluated: 2025-09-22. Review status: criteria provided, single submitter. Criteria: Genomenon Sequence Variant Interpretation Standards - Updated. Collection method: curation. Allele origin: germline. Affected: no.
Comment: THBD p.Ala43Thr (c.127G>A) is a missense variant that changes the amino acid at residue 43 from Alanine to Threonine. This variant has been reported in the published literature (PMID:11986219;38373411;19625716;36622444;39147912;37567446;37744338;15842356;28461395;10627464;29046944;30674459;28752844;29215086;32765494;29563339;28596415). In silico models agree that this variant is not damaging. This variant’s allele frequency in gnomAD is greater than expected for this disorder. In conclusion, we classify THBD p.Ala43Thr (c.127G>A) as a likely benign variant.

Blueprint Genetics
Classification: Likely benign. Last evaluated: 2024-11-21. Review status: criteria provided, single submitter. Criteria: ACMG Guidelines, 2015. Collection method: clinical testing. Allele origin: germline.

Clinical Genomics Laboratory, Washington University in St. Louis
Classification: Uncertain significance for Atypical hemolytic-uremic syndrome with thrombomodulin anomaly. Last evaluated: 2024-02-25. Review status: criteria provided, single submitter. Criteria: ACMG Guidelines, 2015. Collection method: clinical testing. Allele origin: germline.
Comment: The THBD c.127G>A (p.Ala43Thr) variant has been observed in multiple individuals with atypical hemolytic uremic syndrome (aHUS) (Gaut JP et al., PMID: 28752844; Vaught AJ et al., PMID: 29563339; Fremeaux-Bacchi V et al., PMID: 23307876). However, this variant has also been observed in some apparently unaffected relatives, suggesting incomplete penetrance or variable expressivity of the phenotype (Delvaeye M et al., PMID: 19625716). This variant is observed on 502/247,256 alleles in the general population (gnomAD v2.1.1). Computational predictors suggest that the variant does not impact THBD function, however, functional studies show that this alanine to threonine amino acid change results in decreased capacity to inactivate C3b (Delvaeye M et al., PMID: 19625716). Due to conflicting information and based on the ACMG/AMP guidelines for variant interpretation (Richards S et al., PMID: 25741868), the clinical significance of the THBD c.127G>A (p.Ala43Thr) variant is uncertain at this time.

Mayo Clinic Laboratories, Mayo Clinic
Classification: Benign. Last evaluated: 2023-12-29. Review status: criteria provided, single submitter. Criteria: ACMG Guidelines, 2015. Collection method: clinical testing. Allele origin: germline. Observed: 19 variant alleles.
Comment: BS2, BP4_strong

Genetic Services Laboratory, University of Chicago
Classification: Benign. Last evaluated: 2021-08-30. Review status: criteria provided, single submitter. Criteria: ACMG Guidelines, 2015. Collection method: clinical testing. Allele origin: germline. Affected: no.

Genome Diagnostics Laboratory, The Hospital for Sick Children
Classification: Likely benign for Atypical hemolytic-uremic syndrome. Last evaluated: 2020-07-07. Review status: criteria provided, single submitter. Criteria: ACMG Guidelines, 2015. Collection method: clinical testing. Allele origin: germline.

GeneDx
Classification: Likely benign. Last evaluated: 2019-11-19. Review status: criteria provided, single submitter. Criteria: GeneDx Variant Classification Process June 2021. Collection method: clinical testing. Allele origin: germline. Affected: yes.
Comment: In silico analysis, which includes protein predictors and evolutionary conservation, supports that this variant does not alter protein structure/function; This variant is associated with the following publications: (PMID: 19625716, 28752844, 23332921, 24853860, 9198186, 25079699, 20595690)

Illumina Laboratory Services, Illumina
Classification: Benign for Atypical hemolytic-uremic syndrome with thrombomodulin anomaly. Last evaluated: 2018-03-06. Review status: criteria provided, single submitter. Criteria: ICSL Variant Classification Criteria 13 December 2019. Collection method: clinical testing. Allele origin: germline.
Comment: This variant was observed in the ICSL laboratory as part of a predisposition screen in an ostensibly healthy population. It had not been previously curated by ICSL or reported in the Human Gene Mutation Database (HGMD: prior to June 1st, 2018), and was therefore a candidate for classification through an automated scoring system. Utilizing variant allele frequency, disease prevalence and penetrance estimates, and inheritance mode, an automated score was calculated to assess if this variant is too frequent to cause the disease. Based on the score and internal cut-off values, a variant classified as benign is not then subjected to further curation. The score for this variant resulted in a classification of benign for this disease.

PreventionGenetics, part of Exact Sciences
Classification: Likely benign for THBD-related condition. Last evaluated: 2020-03-12. Review status: no assertion criteria provided. Collection method: clinical testing. Allele origin: germline. Not counted in ClinVar's aggregate classification.
Comment: This variant is classified as likely benign based on ACMG/AMP sequence variant interpretation guidelines (Richards et al. 2015 PMID: 25741868, with internal and published modifications).

Sydney Genome Diagnostics, Children's Hospital Westmead
Classification: risk factor for Atypical hemolytic-uremic syndrome. Last evaluated: 2018-03-06. Review status: no assertion criteria provided. Collection method: clinical testing. Allele origin: unknown. Affected: yes. Observed: 5 variant alleles, 4 heterozygotes, 1 compound heterozygote. Not counted in ClinVar's aggregate classification.
Comment: This variant (dbSNP: rs1800576) has been previously reported in the Exome Aggregation Consortium (ExAC) database with a minor allele frequency of 0.34% (172 out of 50152 alleles). The patient had affected and unaffected family members who were also heterozygote for this variant. In vitro functional studies by the same group showed the mutant p.Ala43Thr did not protect cultured cells against complement activation suggesting that this variant affects function.

OMIM
Classification: risk factor for HEMOLYTIC UREMIC SYNDROME, ATYPICAL, SUSCEPTIBILITY TO, 6. Last evaluated: 2009-07-23. Review status: no assertion criteria provided. Collection method: literature only. Allele origin: germline. Not counted in ClinVar's aggregate classification.

Literature cited by the submitters: PubMed 11986219 (cited by Genomenon, Inc); PubMed 38373411 (cited by Genomenon, Inc); PubMed 19625716 (cited by 3 submitters); PubMed 36622444 (cited by Genomenon, Inc); PubMed 39147912 (cited by Genomenon, Inc); PubMed 37567446 (cited by Genomenon, Inc); PubMed 37744338 (cited by Genomenon, Inc); PubMed 15842356 (cited by Genomenon, Inc); PubMed 28461395 (cited by Genomenon, Inc); PubMed 10627464 (cited by Genomenon, Inc); PubMed 29046944 (cited by Genomenon, Inc and Mayo Clinic Laboratories, Mayo Clinic); PubMed 30674459 (cited by Genomenon, Inc); PubMed 28752844 (cited by Genomenon, Inc and Mayo Clinic Laboratories, Mayo Clinic); PubMed 29215086 (cited by Genomenon, Inc); PubMed 32765494 (cited by Genomenon, Inc); PubMed 29563339 (cited by Genomenon, Inc); PubMed 28596415 (cited by Genomenon, Inc); PubMed 20595690 (cited by Mayo Clinic Laboratories, Mayo Clinic); PubMed 23307876 (cited by Mayo Clinic Laboratories, Mayo Clinic); PubMed 23332921 (cited by Mayo Clinic Laboratories, Mayo Clinic); PubMed 25079699 (cited by Mayo Clinic Laboratories, Mayo Clinic); PubMed 29500241 (cited by Mayo Clinic Laboratories, Mayo Clinic); PubMed 30131343 (cited by Mayo Clinic Laboratories, Mayo Clinic); PubMed 9198186 (cited by Mayo Clinic Laboratories, Mayo Clinic).